The following is an entry in ClinVar:

NM_032119.4(ADGRV1):c.5274A>C (p.Arg1758Ser)

Gene: ADGRV1 (adhesion G protein-coupled receptor V1; plus strand). Cytogenetic location: 5q14.3.
Variant type: single nucleotide variant.
Coding change: c.5274A>C on transcript NM_032119.4 (MANE Select); coding-DNA position 5274, A replaced by C.
Protein change: p.Arg1758Ser; replaces arginine 1758 with serine.
Molecular consequence: missense variant. On other transcripts: non-coding transcript variant (1).
Genome position (GRCh38, 1-based): chr5:90,675,406, A>C. VCF-style: chr5-90675406-A-C. GRCh37 (hg19) VCF-style: chr5-89971223-A-C.
Other names: c.5274A>C (NM_032119.3); short protein forms R1758S.
Identifiers: ClinVar variation 1414885 (VCV001414885.8), dbSNP rs1056064860, ClinGen allele CA122799554.

ClinVar aggregate classification (germline): Uncertain significance. Review status: criteria provided, multiple submitters, no conflicts (2 of 4 stars). 2 submissions from 2 submitters: Uncertain significance (2). Last evaluated 2025-12-02.

Conditions:
Inborn genetic diseases. Identifiers: MedGen C0950123, MeSH D030342.

Allele frequency attached by ClinVar (database versions not stated): gnomAD exomes below 0.00001 and 0.00001; gnomAD 0.00001; TOPMed 0.00001.
gnomAD v4.1: 5 of 1,613,708 alleles (0.00031%); highest among the groups gnomAD compares: Admixed American, 0.0083%; no homozygotes.

Submissions (2):

Ambry Genetics
Classification: Uncertain significance for Inborn genetic diseases. Last evaluated: 2025-12-02. Review status: criteria provided, single submitter. Criteria: Ambry Variant Classification Scheme 2023. Collection method: clinical testing. Allele origin: germline.

Labcorp Genetics (formerly Invitae), Labcorp
Classification: Uncertain significance. Last evaluated: 2025-01-06. Review status: criteria provided, single submitter. Criteria: Invitae Variant Classification Sherloc (09022015). Collection method: clinical testing. Allele origin: germline.
Comment: This sequence change replaces arginine, which is basic and polar, with serine, which is neutral and polar, at codon 1758 of the ADGRV1 protein (p.Arg1758Ser). This variant is present in population databases (no rsID available, gnomAD 0.003%). This variant has not been reported in the literature in individuals affected with ADGRV1-related conditions. ClinVar contains an entry for this variant (Variation ID: 1414885). Invitae Evidence Modeling of protein sequence and biophysical properties (such as structural, functional, and spatial information, amino acid conservation, physicochemical variation, residue mobility, and thermodynamic stability) indicates that this missense variant is not expected to disrupt ADGRV1 protein function with a negative predictive value of 95%. In summary, the available evidence is currently insufficient to determine the role of this variant in disease. Therefore, it has been classified as a Variant of Uncertain Significance.